The following is an entry in ClinVar:

ClinVar aggregate classification (germline): Conflicting classifications of pathogenicity. Review status: criteria provided, conflicting classifications (1 of 4 stars). 6 submissions from 6 submitters: Pathogenic (2); Likely pathogenic (3); Uncertain significance (1). Last evaluated 2025-10-17.

Conditions:
Hereditary cancer-predisposing syndrome. Also called: Tumor predisposition; Neoplastic Syndromes, Hereditary; Hereditary Cancer Syndrome; Hereditary neoplastic syndrome. Identifiers: Orphanet 140162, MedGen C0027672, MeSH D009386, MONDO:0015356.
Peutz-Jeghers syndrome (PJS). Also called: Peutz-Jeghers polyposis; Periorificial lentiginosis syndrome; POLYPOSIS, HAMARTOMATOUS INTESTINAL; POLYPS-AND-SPOTS SYNDROME. Identifiers: Orphanet 2869, MedGen C0031269, MeSH D010580, MONDO:0008280, OMIM 175200.

Submissions (6):

Quest Diagnostics Nichols Institute San Juan Capistrano
Classification: Likely pathogenic. Last evaluated: 2025-10-17. Review status: criteria provided, single submitter. Criteria: Quest Diagnostics criteria. Collection method: clinical testing. Allele origin: unknown.
Comment: The STK11 c.407T>C (p.Met136Thr) variant has not been reported in individuals with STK11-related conditions in the published literature. This variant has not been reported in large, multi-ethnic general populations (Genome Aggregation Database). Analysis of this variant using bioinformatics tools for the prediction of the effect of amino acid changes on protein structure and function yielded predictions that this variant is damaging. Based on the available information, this variant is classified as likely pathogenic .

Ambry Genetics
Classification: Likely pathogenic for Hereditary cancer-predisposing syndrome. Last evaluated: 2025-08-20. Review status: criteria provided, single submitter. Criteria: Ambry Variant Classification Scheme 2023. Collection method: clinical testing. Allele origin: germline.
Comment: The p.M136T variant (also known as c.407T>C), located in coding exon 3 of the STK11 gene, results from a T to C substitution at nucleotide position 407. The methionine at codon 136 is replaced by threonine, an amino acid with similar properties. This variant has been observed in multiple individuals with a personal and/or family history that is consistent with Peutz-Jeghers syndrome (External communication, Ambry internal data). Based on internal structural analysis, M136T is mildly destabilizing to the local structure and more destabilizing than a nearby pathogenic variant (Ambry internal data). This variant is considered to be rare based on population cohorts in the Genome Aggregation Database (gnomAD). This amino acid position is highly conserved in available vertebrate species. In addition, this alteration is predicted to be deleterious by in silico analysis. Based on the majority of available evidence to date, this variant is likely to be pathogenic.

Women's Health and Genetics/Laboratory Corporation of America, LabCorp
Classification: Pathogenic for Peutz-Jeghers syndrome. Last evaluated: 2024-12-27. Review status: criteria provided, single submitter. Criteria: LabCorp Variant Classification Summary - May 2015. Collection method: clinical testing. Allele origin: germline.
Comment: Variant summary: STK11 c.407T>C (p.Met136Thr) results in a non-conservative amino acid change located in the Protein Kinase Domain of the encoded protein sequence. Five of five in-silico tools predict a damaging effect of the variant on protein function. Other variants at the same amino acid position have been reported in the literature in indivduals with Peutz-Jeghers Syndrome (M136K, M136R; Tchekmedyian_2013, Olschwang_2001). The variant was absent in 225652 control chromosomes. c.407T>C has been observed in multiple individuals affected with a personal and family history of Peutz-Jeghers Syndrome at our laboratory (internal data). These data indicate that the variant is very likely to be associated with disease. To our knowledge, no experimental evidence demonstrating an impact on protein function has been reported. ClinVar contains an entry for this variant (Variation ID: 403772). Based on the evidence outlined above, the variant was classified as pathogenic.

Labcorp Genetics (formerly Invitae), Labcorp
Classification: Pathogenic for Peutz-Jeghers syndrome. Last evaluated: 2022-06-12. Review status: criteria provided, single submitter. Criteria: Invitae Variant Classification Sherloc (09022015). Collection method: clinical testing. Allele origin: germline.
Comment: For these reasons, this variant has been classified as Pathogenic. Advanced modeling of protein sequence and biophysical properties (such as structural, functional, and spatial information, amino acid conservation, physicochemical variation, residue mobility, and thermodynamic stability) performed at Invitae indicates that this missense variant is expected to disrupt STK11 protein function. ClinVar contains an entry for this variant (Variation ID: 403772). This missense change has been observed in individuals with clinical features of Peutz-Jeghers syndrome (Invitae). It has also been observed to segregate with disease in related individuals. This variant is not present in population databases (gnomAD no frequency). This sequence change replaces methionine, which is neutral and non-polar, with threonine, which is neutral and polar, at codon 136 of the STK11 protein (p.Met136Thr).

Genome-Nilou Lab
Classification: Uncertain significance for Peutz-Jeghers syndrome. Last evaluated: 2021-07-15. Review status: criteria provided, single submitter. Criteria: ACMG Guidelines, 2015. Collection method: clinical testing. Allele origin: germline. Affected: no.

GeneDx
Classification: Likely pathogenic. Last evaluated: 2019-01-03. Review status: criteria provided, single submitter. Criteria: GeneDx Variant Classification (06012015). Collection method: clinical testing. Allele origin: germline. Affected: yes.
Comment: The M136T variant in the STK11 gene has not been published as a pathogenic variant, nor has it been reported as a benign variant to our knowledge. This variant is not observed in large population cohorts (Lek et al., 2016; 1000 Genomes Consortium et al., 2015; Exome Variant Server). The M136T variant is a non-conservative amino acid substitution, which is likely to impact secondary protein structure as these residues differ in polarity, charge, size and/or other properties. This substitution occurs at a position that is conserved across species, and is located within the site of catalysis (Hearle et al., 2006). In silico analysis predicts this variant is probably damaging to the protein structure/function. Missense variants in the same residue (M136K, M136R) have been reported in association with Peutz-Jeghers syndrome, supporting the functional importance of this region of the protein (Olschwang et al., 2001; Tchekmedyian et al., 2013). Based on the currently available information, M136T is a strong candidate for a pathogenic variant. However, the possibility it may be a rare benign variant cannot be excluded.

Literature cited by the submitters: PubMed 24260271 (cited by 3 submitters); PubMed 11389158 (cited by 3 submitters).

NM_000455.5(STK11):c.407T>C (p.Met136Thr)

Gene: STK11 (serine/threonine kinase 11; plus strand). Cytogenetic location: 19p13.3.
Variant type: single nucleotide variant.
Coding change: c.407T>C on transcript NM_000455.5 (MANE Select); coding-DNA position 407, T replaced by C.
Protein change: p.Met136Thr; replaces methionine 136 with threonine.
Molecular consequence: missense variant.
Genome position (GRCh38, 1-based): chr19:1,219,356, T>C. VCF-style: chr19-1219356-T-C. GRCh37 (hg19) VCF-style: chr19-1219355-T-C.
Other names: short protein forms M136T.
Identifiers: ClinVar variation 403772 (VCV000403772.24), dbSNP rs1060499958, ClinGen allele CA16616220.
Genomic context (GRCh38, chr19:1,219,356, plus strand): 5'-CCTGAGCTGTGTGTCCTTAGCGCCCCACGTATATGGTGATGGAGTACTGCGTGTGTGGCA[T>C]GCAGGAAATGCTGGACAGCGTGCCGGAGAAGCGTTTCCCAGTGTGCCAGGCCCACGGGTG-3'
Protein context (NP_000446.1, residues 126-146): YMVMEYCVCG[Met136Thr]QEMLDSVPEK